The following is an entry in ClinVar:

NM_001101.5(ACTB):c.82C>G (p.Arg28Gly)

Gene: ACTB (actin beta; minus strand). Cytogenetic location: 7p22.1.
Variant type: single nucleotide variant.
Coding change: c.82C>G on transcript NM_001101.5 (MANE Select); coding-DNA position 82, C replaced by G.
Protein change: p.Arg28Gly; replaces arginine 28 with glycine.
Molecular consequence: missense variant.
Genome position (GRCh38, 1-based): chr7:5,529,576, G>C on the plus strand (C>G on the coding strand, the complement: ACTB is on the minus strand). VCF-style: chr7-5529576-G-C. GRCh37 (hg19) VCF-style: chr7-5569207-G-C.
Other names: c.82C>G (LRG_132t1); short protein forms R28G.
Identifiers: ClinVar variation 279942 (VCV000279942.5), dbSNP rs886041270, ClinGen allele CA10603043.

ClinVar aggregate classification (germline): Conflicting classifications of pathogenicity. Review status: criteria provided, conflicting classifications (1 of 4 stars). 4 submissions from 3 submitters: Likely pathogenic (3); Uncertain significance (1). Last evaluated 2023-08-10.

Conditions:
ACTB-related BAFopathy.
ACTB-related disorder. Also called: ACTB-related condition; ACTB-related disorders.
Baraitser-Winter syndrome 1 (BRWS1). Also called: MENTAL RETARDATION WITH EPILEPSY AND CHARACTERISTIC FACIES; Cerebrofrontofacial syndrome; PACHYGYRIA, MENTAL RETARDATION, EPILEPSY, AND CHARACTERISTIC FACIES; BARAITSER-WINTER SYNDROME 1, ATYPICAL. Identifiers: Orphanet 2649, Orphanet 2995, MedGen C1855722, MONDO:0009470, OMIM 243310.

Submissions (4):

Blueprint Genetics
Classification: Likely pathogenic for ACTB-related disorders. Last evaluated: 2023-08-10. Review status: criteria provided, single submitter. Criteria: ACMG Guidelines, 2015. Collection method: clinical testing. Allele origin: germline. Affected: yes. Observed: 1 variant allele.

Baylor Genetics
Classification: Likely pathogenic for ACTB-related BAFopathy. Last evaluated: 2021-06-10. Review status: criteria provided, single submitter. Criteria: ACMG Guidelines, 2015. Collection method: clinical testing. Allele origin: de novo. Affected: yes.

Baylor Genetics
Classification: Likely pathogenic for Baraitser-Winter syndrome 1. Last evaluated: 2017-12-31. Review status: criteria provided, single submitter. Criteria: ACMG Guidelines, 2015. Collection method: clinical testing. Allele origin: germline. Affected: yes.

GeneDx
Classification: Uncertain significance. Last evaluated: 2017-07-11. Review status: criteria provided, single submitter. Criteria: GeneDx Variant Classification (06012015). Collection method: clinical testing. Allele origin: germline. Affected: yes.
Comment: The R28G variant in the ACTB gene has not been published as a pathogenic variant, nor has it been reported as a benign variant to our knowledge. The variant was not observed in approximately 6,200 individuals of European and African American ancestry in the NHLBI Exome Sequencing Project, indicating it is not a common benign variant in these populations. R28G is a non-conservative amino acid substitution, which is likely to impact secondary protein structure as these residues differ in polarity, charge, size and/or other properties. However, this substitution occurs at a position that is not conserved, and in silico analysis is inconsistent in its predictions as to whether or not the variant is damaging to the protein structure/function. Therefore, based on the currently available information, it is unclear whether this variant is a pathogenic variant or a rare benign variant.